The following is an entry in ClinVar:

NM_000038.6(APC):c.5880G>A (p.Pro1960=)

Gene: APC (APC regulator of Wnt signaling pathway; plus strand). Cytogenetic location: 5q22.2.
Variant type: single nucleotide variant.
Coding change: c.5880G>A on transcript NM_000038.6 (MANE Select); coding-DNA position 5880, G replaced by A.
Protein change: p.Pro1960=; no amino-acid change (proline 1960 retained).
Molecular consequence: synonymous variant.
Genome position (GRCh38, 1-based): chr5:112,841,474, G>A. VCF-style: chr5-112841474-G-A. GRCh37 (hg19) VCF-style: chr5-112177171-G-A.
Other names: c.5880G>A, p.Pro1960= (NM_001127510.3, NM_001354895.2); c.5826G>A, p.Pro1942= (NM_001127511.3); c.5934G>A, p.Pro1978= (NM_001354896.2); c.5910G>A, p.Pro1970= (NM_001354897.2); c.5805G>A, p.Pro1935= (NM_001354898.2); c.5796G>A, p.Pro1932= (NM_001354899.2); c.5757G>A, p.Pro1919= (NM_001354900.2); c.5703G>A, p.Pro1901= (NM_001354901.2); and 5 more.
Identifiers: ClinVar variation 42247 (VCV000042247.57), dbSNP rs465899, ClinGen allele CA010770.
Genomic context (GRCh38, chr5:112,841,474, plus strand): 5'-ACCAGACAGAGGGGCAGCAACTGATGAAAAGTTACAGAATTTTGCTATTGAAAATACTCC[G>A]GTTTGCTTTTCTCATAATTCCTCTCTGAGTTCTCTCAGTGACATTGACCAAGAAAACAAC-3'
Protein context (NP_000029.2, residues 1950-1970): KLQNFAIENT[Pro1960=]VCFSHNSSLS

ClinVar aggregate classification (germline): Benign. Review status: criteria provided, multiple submitters, no conflicts (2 of 4 stars). 20 submissions from 20 submitters: Benign (11). 9 of the submissions do not count toward it. Last evaluated 2026-02-04.

Conditions:
APC-Associated Polyposis Disorders.
Hereditary cancer-predisposing syndrome. Also called: Tumor predisposition; Neoplastic Syndromes, Hereditary; Hereditary neoplastic syndrome; Hereditary Cancer Syndrome. Identifiers: Orphanet 140162, MedGen C0027672, MeSH D009386, MONDO:0015356.
Familial adenomatous polyposis 1 (FAP1). Also called: FAMILIAL ADENOMATOUS POLYPOSIS 1, ATTENUATED; POLYPOSIS, ADENOMATOUS INTESTINAL. Identifiers: MedGen C2713442, MONDO:0021056, OMIM 175100. Disease mechanism: loss of function.
Familial colorectal cancer. Identifiers: MedGen CN280943, MONDO:0023113. Disease mechanism: loss of function.
Carcinoma of colon (CRC). Also called: Colonic carcinoma; Colon carcinoma. Identifiers: MedGen C0699790, MONDO:0002032.

Allele frequency attached by ClinVar (database versions not stated): ESP Exome Variant Server 0.58691; gnomAD 0.59308 and 0.60258; TOPMed 0.61101; gnomAD exomes 0.62735 and 0.64971; ExAC 0.64881; 1000 Genomes Project 30x 0.66146; 1000 Genomes Project 0.66653.
gnomAD v4.1: 1,008,483 of 1,612,952 alleles (63%); highest among the groups gnomAD compares: East Asian, 84%; 318,251 homozygotes.

Submissions (20):

Labcorp Genetics (formerly Invitae), Labcorp
Classification: Benign for Familial adenomatous polyposis 1. Last evaluated: 2026-02-04. Review status: criteria provided, single submitter. Criteria: Invitae Variant Classification Sherloc (09022015). Collection method: clinical testing. Allele origin: germline.

ARUP Laboratories, Molecular Genetics and Genomics, ARUP Laboratories
Classification: Benign. Last evaluated: 2025-07-30. Review status: criteria provided, single submitter. Criteria: ARUP Molecular Germline Variant Investigation Process 2024. Collection method: clinical testing. Allele origin: germline.

GeneKor MSA
Classification: Benign for Hereditary cancer-predisposing syndrome. Last evaluated: 2025-07-10. Review status: criteria provided, single submitter. Criteria: ACMG Guidelines, 2015. Collection method: clinical testing. Allele origin: germline.

Blueprint Genetics
Classification: Benign. Last evaluated: 2024-11-26. Review status: criteria provided, single submitter. Criteria: ACMG Guidelines, 2015. Collection method: clinical testing. Allele origin: germline.

KCCC/NGS Laboratory, Kuwait Cancer Control Center
Classification: Benign for Familial adenomatous polyposis 1. Last evaluated: 2023-07-07. Review status: criteria provided, single submitter. Criteria: ACMG Guidelines, 2015. Collection method: clinical testing. Allele origin: germline. Affected: yes.

Illumina Laboratory Services, Illumina
Classification: Benign for APC-Associated Polyposis Disorders. Last evaluated: 2018-01-13. Review status: criteria provided, single submitter. Criteria: ICSL Variant Classification Criteria 13 December 2019. Collection method: clinical testing. Allele origin: germline.
Comment: This variant was observed in the ICSL laboratory as part of a predisposition screen in an ostensibly healthy population. It had not been previously curated by ICSL or reported in the Human Gene Mutation Database (HGMD: prior to June 1st, 2018), and was therefore a candidate for classification through an automated scoring system. Utilizing variant allele frequency, disease prevalence and penetrance estimates, and inheritance mode, an automated score was calculated to assess if this variant is too frequent to cause the disease. Based on the score and internal cut-off values, a variant classified as benign is not then subjected to further curation. The score for this variant resulted in a classification of benign for this disease.

Color Diagnostics, LLC DBA Color Health
Classification: Benign for Hereditary cancer-predisposing syndrome. Last evaluated: 2016-03-18. Review status: criteria provided, single submitter. Criteria: ACMG Guidelines, 2015. Collection method: clinical testing. Allele origin: germline.

Eurofins Ntd Llc (ga)
Classification: Benign. Last evaluated: 2016-03-16. Review status: criteria provided, single submitter. Criteria: EGL Classification Definitions 2015. Collection method: clinical testing. Allele origin: germline. Observed: 64 variant alleles, 37 heterozygotes, 27 homozygotes.

GeneDx
Classification: Benign. Last evaluated: 2015-03-03. Review status: criteria provided, single submitter. Criteria: GeneDx Variant Classification Process June 2021. Collection method: clinical testing. Allele origin: germline. Affected: yes.

Ambry Genetics
Classification: Benign for Hereditary cancer-predisposing syndrome. Last evaluated: 2014-10-29. Review status: criteria provided, single submitter. Criteria: Ambry Variant Classification Scheme 2023. Collection method: clinical testing. Allele origin: germline.

PreventionGenetics, part of Exact Sciences
Classification: Benign. Review status: criteria provided, single submitter. Criteria: ACMG Guidelines, 2015. Collection method: clinical testing. Allele origin: germline.

Institute for Biomarker Research, Medical Diagnostic Laboratories, L.L.C.
Classification: Benign for Hereditary cancer-predisposing syndrome. Last evaluated: 2021-12-21. Review status: no assertion criteria provided. Collection method: clinical testing. Allele origin: germline. Not counted in ClinVar's aggregate classification.

Laboratory for Molecular Medicine, Mass General Brigham Personalized Medicine
Classification: Benign. Last evaluated: 2008-03-01. Review status: no assertion criteria provided. Collection method: clinical testing. Allele origin: germline. Observed: 30 variant alleles. Not counted in ClinVar's aggregate classification.

Clinical Genetics DNA and cytogenetics Diagnostics Lab, Erasmus MC, Erasmus Medical Center
Classification: Benign. Review status: no assertion criteria provided. Collection method: clinical testing. Allele origin: germline. Affected: yes. Study: VKGL Data-share Consensus. Not counted in ClinVar's aggregate classification.

Clinical Genetics, Academic Medical Center
Classification: Benign. Review status: no assertion criteria provided. Collection method: clinical testing. Allele origin: germline. Affected: yes. Study: VKGL Data-share Consensus. Not counted in ClinVar's aggregate classification.

Department of Pathology and Laboratory Medicine, Sinai Health System
Classification: Benign for Carcinoma of colon. Review status: no assertion criteria provided. Collection method: clinical testing. Allele origin: unknown. Affected: yes. Study: The Canadian Open Genetics Repository (COGR). Not counted in ClinVar's aggregate classification.
Comment: The c.5880G>A, p.Pro1960Pro silent variant, located in exon 18 of APC, is not expected to have clinical significance because it does not alter an amino acid residue, is not located near a splice junction, and is listed in dbSNP database (RS-id: rs465899) with a minor allele frequency of 0.33. Based on the above information, this is a benign variant.

Diagnostic Laboratory, Department of Genetics, University Medical Center Groningen
Classification: Benign. Review status: no assertion criteria provided. Collection method: clinical testing. Allele origin: germline. Affected: yes. Study: VKGL Data-share Consensus. Not counted in ClinVar's aggregate classification.

Joint Genome Diagnostic Labs from Nijmegen and Maastricht, Radboudumc and MUMC+
Classification: Benign. Review status: no assertion criteria provided. Collection method: clinical testing. Allele origin: germline. Affected: yes. Study: VKGL Data-share Consensus. Not counted in ClinVar's aggregate classification.

Mayo Clinic Laboratories, Mayo Clinic
Classification: Benign. Review status: no assertion criteria provided. Collection method: clinical testing. Allele origin: unknown. Not counted in ClinVar's aggregate classification.

Systems Biology Platform Zhejiang California International NanoSystems Institute
Classification: other for Familial colorectal cancer. Review status: no assertion criteria provided. Collection method: not provided. Allele origin: unknown. Not counted in ClinVar's aggregate classification.
ClinVar note: Converted during submission from cancer to other.

Literature cited by the submitters: PubMed 14616385 (cited by Laboratory for Molecular Medicine, Mass General Brigham Personalized Medicine).